The following is an entry in ClinVar:

NM_032806.6(POMGNT2):c.810C>G (p.Phe270Leu)

Gene: POMGNT2 (protein O-linked mannose N-acetylglucosaminyltransferase 2 (beta 1,4-); minus strand). Cytogenetic location: 3p22.1.
Variant type: single nucleotide variant.
Coding change: c.810C>G on transcript NM_032806.6 (MANE Select); coding-DNA position 810, C replaced by G.
Protein change: p.Phe270Leu; replaces phenylalanine 270 with leucine.
Molecular consequence: missense variant.
Genome position (GRCh38, 1-based): chr3:43,080,622, G>C on the plus strand (C>G on the coding strand, the complement: POMGNT2 is on the minus strand). VCF-style: chr3-43080622-G-C. GRCh37 (hg19) VCF-style: chr3-43122114-G-C.
Other names: c.810C>G (NM_032806.4); short protein forms F270L.
Identifiers: ClinVar variation 1360930 (VCV001360930.7), dbSNP rs2089842378, ClinGen allele CA352302461.

ClinVar aggregate classification (germline): Uncertain significance. Review status: criteria provided, multiple submitters, no conflicts (2 of 4 stars). 2 submissions from 2 submitters: Uncertain significance (2). Last evaluated 2025-11-20.

Conditions:
Inborn genetic diseases. Identifiers: MedGen C0950123, MeSH D030342.
Muscular dystrophy-dystroglycanopathy (congenital with brain and eye anomalies), type a, 8 (MDDGA8). Also called: WALKER-WARBURG SYNDROME OR MUSCLE-EYE-BRAIN DISEASE, GTDC2-RELATED. Identifiers: Orphanet 899, MedGen C3553813, MONDO:0013904, OMIM 614830.

Allele frequency attached by ClinVar (database versions not stated): gnomAD exomes below 0.00001; gnomAD 0.00001; TOPMed 0.00001.
gnomAD v4.1: 2 of 1,614,090 alleles (0.00012%); highest among the groups gnomAD compares: African/African-American, 0.0027%; no homozygotes.

Submissions (2):

Ambry Genetics
Classification: Uncertain significance for Inborn genetic diseases. Last evaluated: 2025-11-20. Review status: criteria provided, single submitter. Criteria: Ambry Variant Classification Scheme 2023. Collection method: clinical testing. Allele origin: germline.

Labcorp Genetics (formerly Invitae), Labcorp
Classification: Uncertain significance for Muscular dystrophy-dystroglycanopathy (congenital with brain and eye anomalies), type a, 8. Last evaluated: 2022-08-16. Review status: criteria provided, single submitter. Criteria: Invitae Variant Classification Sherloc (09022015). Collection method: clinical testing. Allele origin: germline.
Comment: In summary, the available evidence is currently insufficient to determine the role of this variant in disease. Therefore, it has been classified as a Variant of Uncertain Significance. Algorithms developed to predict the effect of missense changes on protein structure and function are either unavailable or do not agree on the potential impact of this missense change (SIFT: "Tolerated"; PolyPhen-2: "Possibly Damaging"; Align-GVGD: "Class C0"). ClinVar contains an entry for this variant (Variation ID: 1360930). This variant has not been reported in the literature in individuals affected with POMGNT2-related conditions. This variant is not present in population databases (gnomAD no frequency). This sequence change replaces phenylalanine, which is neutral and non-polar, with leucine, which is neutral and non-polar, at codon 270 of the POMGNT2 protein (p.Phe270Leu).